The following is an entry in ClinVar:

ClinVar aggregate classification (germline): Likely benign (0 of 4 stars; one submission).

Conditions:
CACNA2D1-related disorder. Also called: CACNA2D1-related condition.

Allele frequency attached by ClinVar (database versions not stated): TOPMed 0.00003; gnomAD 0.00005; gnomAD exomes 0.00006.
gnomAD v4.1: 41 of 702,724 alleles (0.0058%); highest among the groups gnomAD compares: Middle Eastern, 0.023%; no homozygotes.

Submission:

PreventionGenetics, part of Exact Sciences
Classification: Likely benign for CACNA2D1-related condition. Last evaluated: 2019-07-23. Review status: no assertion criteria provided. Collection method: clinical testing. Allele origin: germline.
Comment: This variant is classified as likely benign based on ACMG/AMP sequence variant interpretation guidelines (Richards et al. 2015 PMID: 25741868, with internal and published modifications).

NM_000722.4(CACNA2D1):c.879+9814T>C

Gene: CACNA2D1 (calcium voltage-gated channel auxiliary subunit alpha2delta 1; minus strand). Cytogenetic location: 7q21.11.
Variant type: single nucleotide variant.
Coding change: c.879+9814T>C on transcript NM_000722.4 (MANE Select); 9814 bases into the intron after coding-DNA position 879, T replaced by C.
Molecular consequence: intron variant. On other transcripts: synonymous variant (1).
Genome position (GRCh38, 1-based): chr7:82,050,614, A>G on the plus strand (T>C on the coding strand, the complement: CACNA2D1 is on the minus strand). VCF-style: chr7-82050614-A-G. GRCh37 (hg19) VCF-style: chr7-81679930-A-G.
Other names: c.894T>C, p.Ile298= (NM_001302890.2); c.879+9814T>C (NM_001366867.1).
Identifiers: ClinVar variation 3049968 (VCV003049968.2), dbSNP rs1394865092, ClinGen allele CA575929277.